The following is an entry in ClinVar:

ClinVar aggregate classification (germline): Uncertain significance (1 of 4 stars; one submission).

Conditions:
Hereditary cancer-predisposing syndrome. Also called: Tumor predisposition; Hereditary Cancer Syndrome; Hereditary neoplastic syndrome; Neoplastic Syndromes, Hereditary. Identifiers: Orphanet 140162, MedGen C0027672, MeSH D009386, MONDO:0015356.

Submission:

Ambry Genetics
Classification: Uncertain significance for Hereditary cancer-predisposing syndrome. Last evaluated: 2025-09-22. Review status: criteria provided, single submitter. Criteria: Ambry Variant Classification Scheme 2023. Collection method: clinical testing. Allele origin: germline.
Comment: The p.R810S variant (also known as c.2430G>T), located in coding exon 15 of the APC gene, results from a G to T substitution at nucleotide position 2430. The arginine at codon 810 is replaced by serine, an amino acid with dissimilar properties. This amino acid position is conserved. In addition, in silico predictors for this gene do not accurately predict pathogenicity. Based on the available evidence, the clinical significance of this variant remains unclear.

NM_000038.6(APC):c.2430G>T (p.Arg810Ser)

Gene: APC (APC regulator of Wnt signaling pathway; plus strand). Cytogenetic location: 5q22.2.
Variant type: single nucleotide variant.
Coding change: c.2430G>T on transcript NM_000038.6 (MANE Select); coding-DNA position 2430, G replaced by T.
Protein change: p.Arg810Ser; replaces arginine 810 with serine.
Molecular consequence: missense variant. On other transcripts: non-coding transcript variant (2).
Genome position (GRCh38, 1-based): chr5:112,838,024, G>T. VCF-style: chr5-112838024-G-T. GRCh37 (hg19) VCF-style: chr5-112173721-G-T.
Other names: c.2430G>T, p.Arg810Ser (NM_001127510.3, NM_001354895.2, NM_001407450.1); c.2376G>T, p.Arg792Ser (NM_001127511.3); c.2484G>T, p.Arg828Ser (NM_001354896.2, NM_001407447.1, NM_001407448.1 and 1 more transcripts); c.2460G>T, p.Arg820Ser (NM_001354897.2); c.2355G>T, p.Arg785Ser (NM_001354898.2); c.2346G>T, p.Arg782Ser (NM_001354899.2); c.2307G>T, p.Arg769Ser (NM_001354900.2); c.2253G>T, p.Arg751Ser (NM_001354901.2, NM_001407453.1); and 11 more; short protein forms R426S, R785S, R838S, R650S, R709S, R769S, R782S, R792S.
Identifiers: ClinVar variation 4560212 (VCV004560212.1).